The following is an entry in ClinVar:

ClinVar aggregate classification (germline): Uncertain significance (1 of 4 stars; one submission).

Conditions:
DVL1-related disorder. Also called: DVL1-related condition.

Allele frequency attached by ClinVar (database versions not stated): TOPMed 0.00001.
gnomAD v4.1: 14 of 1,548,544 alleles (0.0009%); highest among the groups gnomAD compares: South Asian, 0.0012%; no homozygotes.

Submission:

PreventionGenetics, part of Exact Sciences
Classification: Uncertain significance for DVL1-related condition. Last evaluated: 2022-11-03. Review status: criteria provided, single submitter. Criteria: ACMG Guidelines, 2015. Collection method: clinical testing. Allele origin: germline.
Comment: The DVL1 c.1192G>A variant is predicted to result in the amino acid substitution p.Val398Met. To our knowledge, this variant has not been reported in the literature or in a large population database, indicating this variant is rare. Of note, this variant is located within an alternatively spliced exon and affects the intron when annotated using the most expressed transcript (NM_004421.2; c.1132+60G>A). At this time, the clinical significance of this variant is uncertain due to the absence of conclusive functional and genetic evidence.

NM_001330311.2(DVL1):c.1192G>A (p.Val398Met)

Gene: DVL1 (dishevelled segment polarity protein 1; minus strand). Cytogenetic location: 1p36.33.
Variant type: single nucleotide variant.
Coding change: c.1192G>A on transcript NM_001330311.2 (MANE Select); coding-DNA position 1192, G replaced by A.
Protein change: p.Val398Met; replaces valine 398 with methionine.
Molecular consequence: missense variant. On other transcripts: intron variant (1).
Genome position (GRCh38, 1-based): chr1:1,339,302, C>T on the plus strand (G>A on the coding strand, the complement: DVL1 is on the minus strand). VCF-style: chr1-1339302-C-T. GRCh37 (hg19) VCF-style: chr1-1274682-C-T.
Other names: c.1132+60G>A (NM_004421.3); short protein forms V398M.
Identifiers: ClinVar variation 2635182 (VCV002635182.1), dbSNP rs1017670985, ClinGen allele CA16754914.